The following is an entry in ClinVar:

NM_000141.5(FGFR2):c.2302-1807_2302-1806insAAAAAAA

Gene: FGFR2 (fibroblast growth factor receptor 2; minus strand). Cytogenetic location: 10q26.13.
Variant type: Insertion.
Coding change: c.2302-1807_2302-1806insAAAAAAA on transcript NM_000141.5 (MANE Select); 1807 bases into the intron before coding-DNA position 2302 through 1806 bases into the intron before coding-DNA position 2302, AAAAAAA inserted.
Molecular consequence: intron variant. On other transcripts: 3 prime UTR variant (1).
Genome position: GRCh38 VCF-style: chr10-121481827-C-CTTTTTTT. GRCh37 (hg19) VCF-style: chr10-123241341-C-CTTTTTTT.
Other names: c.*344_*345insAAAAAAA (NM_001144919.2); c.1966-1807_1966-1806insAAAAAAA (NM_001144914.1); c.1951-1807_1951-1806insAAAAAAA (NM_001144918.2); c.1951-1715_1951-1714insAAAAAAA (NM_001441091.1); c.1957-1807_1957-1806insAAAAAAA (NM_001441090.1, NM_001144916.2); c.2029-1807_2029-1806insAAAAAAA (NM_001441089.1); c.2035-1807_2035-1806insAAAAAAA (NM_023029.3); c.2032-1807_2032-1806insAAAAAAA (NM_001441088.1); and 6 more.
Identifiers: ClinVar variation 2640887 (VCV002640887.24), dbSNP rs1172844728, ClinGen allele CA660824766.

ClinVar aggregate classification (germline): Likely benign (1 of 4 stars; one submission).

Submission:

CeGaT Center for Human Genetics Tuebingen
Classification: Likely benign. Last evaluated: 2025-11-01. Review status: criteria provided, single submitter. Criteria: CeGaT Center For Human Genetics Tuebingen Variant Classification Criteria Version 2. Collection method: clinical testing. Allele origin: germline. Affected: yes. Observed: 8 variant alleles.
Comment: FGFR2: BS2